The following is an entry in ClinVar:

NM_013382.7(POMT2):c.1007-256G>A

Gene: POMT2 (protein O-mannosyltransferase 2; minus strand). Cytogenetic location: 14q24.3.
Variant type: single nucleotide variant.
Coding change: c.1007-256G>A on transcript NM_013382.7 (MANE Select); 256 bases into the intron before coding-DNA position 1007, G replaced by A.
Molecular consequence: intron variant.
Genome position (GRCh38, 1-based): chr14:77,296,529, C>T on the plus strand (G>A on the coding strand, the complement: POMT2 is on the minus strand). VCF-style: chr14-77296529-C-T. GRCh37 (hg19) VCF-style: chr14-77762872-C-T.
Identifiers: ClinVar variation 683960 (VCV000683960.2), dbSNP rs3783986, ClinGen allele CA13995993.

ClinVar aggregate classification (germline): Benign. Review status: criteria provided, multiple submitters, no conflicts (2 of 4 stars). 2 submissions from 2 submitters: Benign (2). Last evaluated 2018-06-19.

Allele frequency attached by ClinVar (database versions not stated): gnomAD 0.40868 and 0.41362; gnomAD exomes 0.42170; TOPMed 0.42383; 1000 Genomes Project 30x 0.47267; 1000 Genomes Project 0.47404.
gnomAD v4.1: 217,827 of 519,272 alleles (42%); highest among the groups gnomAD compares: South Asian, 54%; 46,553 homozygotes.

Submissions (2):

GeneDx
Classification: Benign. Last evaluated: 2018-06-19. Review status: criteria provided, single submitter. Criteria: GeneDx Variant Classification (06012015). Collection method: clinical testing. Allele origin: germline. Affected: yes.
Comment: This variant is considered likely benign or benign based on one or more of the following criteria: it is a conservative change, it occurs at a poorly conserved position in the protein, it is predicted to be benign by multiple in silico algorithms, and/or has population frequency not consistent with disease.

Breakthrough Genomics
Classification: Benign. Review status: criteria provided, single submitter. Criteria: ACMG Guidelines, 2015. Collection method: not provided. Allele origin: germline. Inheritance: Autosomal recessive inheritance. Affected: yes.